The following is an entry in ClinVar:

ClinVar aggregate classification (germline): Conflicting classifications of pathogenicity. Review status: criteria provided, conflicting classifications (1 of 4 stars). 7 submissions from 7 submitters: Uncertain significance (2); Likely benign (5). Last evaluated 2025-12-03.

Conditions:
Hereditary cancer-predisposing syndrome. Also called: Neoplastic Syndromes, Hereditary; Tumor predisposition; Hereditary Cancer Syndrome; Hereditary neoplastic syndrome. Identifiers: Orphanet 140162, MedGen C0027672, MeSH D009386, MONDO:0015356.
Tuberous sclerosis syndrome (TSC). Also called: Tuberous Sclerosis Complex; Tuberous sclerosis. Identifiers: Orphanet 805, MedGen C0041341, MONDO:0001734.
Tuberous sclerosis 2 (TSC2). Identifiers: Orphanet 805, MedGen C1860707, MONDO:0013199, OMIM 613254.

Allele frequency attached by ClinVar (database versions not stated): ExAC 0.00001; gnomAD 0.00001; gnomAD exomes 0.00001 and 0.00002.
gnomAD v4.1: 18 of 1,610,428 alleles (0.0011%); highest among the groups gnomAD compares: East Asian, 0.0067%; no homozygotes.

Submissions (7):

Labcorp Genetics (formerly Invitae), Labcorp
Classification: Likely benign for Tuberous sclerosis 2. Last evaluated: 2025-12-03. Review status: criteria provided, single submitter. Criteria: Invitae Variant Classification Sherloc (09022015). Collection method: clinical testing. Allele origin: germline.

Myriad Genetics, Inc.
Classification: Likely benign for Tuberous sclerosis 2. Last evaluated: 2024-08-23. Review status: criteria provided, single submitter. Criteria: Myriad Autosomal Dominant, Autosomal Recessive and X-Linked Classification Criteria (2023). Collection method: clinical testing. Allele origin: unknown.
Comment: This variant is considered likely benign. This variant has been observed at a population frequency that is significantly greater than expected given the associated disease prevalence and penetrance.

All of Us Research Program, National Institutes of Health
Classification: Uncertain significance for Tuberous sclerosis syndrome. Last evaluated: 2024-02-05. Review status: criteria provided, single submitter. Criteria: ACMG Guidelines, 2015. Collection method: clinical testing. Allele origin: germline. Inheritance: Autosomal dominant inheritance. Observed: 2 variant alleles, 2 heterozygotes.
Comment: This missense variant replaces alanine with threonine at codon 1622 of the TSC2 protein. Computational prediction suggests that this variant may have deleterious impact on protein structure and function (internally defined REVEL score threshold >= 0.7, PMID: 27666373). To our knowledge, functional studies have not been reported for this variant. This variant has not been reported in individuals affected with TSC2-related disorders in the literature. This variant has been identified in 6/249242 chromosomes in the general population by the Genome Aggregation Database (gnomAD). The available evidence is insufficient to determine the role of this variant in disease conclusively. Therefore, this variant is classified as a Variant of Uncertain Significance.

This study involves interpretation of variants in research participants for the purpose of population health screening. Participant phenotype was not available at the time of variant classification. Additional details can be found in publication PMID: 35346344, PMCID: PMC8962531

Color Diagnostics, LLC DBA Color Health
Classification: Uncertain significance for Tuberous sclerosis syndrome. Last evaluated: 2024-01-29. Review status: criteria provided, single submitter. Criteria: ACMG Guidelines, 2015. Collection method: clinical testing. Allele origin: germline.
Comment: This missense variant replaces alanine with threonine at codon 1622 of the TSC2 protein. Computational prediction suggests that this variant may have deleterious impact on protein structure and function. To our knowledge, functional studies have not been reported for this variant. This variant has not been reported in individuals affected with TSC2-related disorders in the literature. This variant has been identified in 6/249242 chromosomes in the general population by the Genome Aggregation Database (gnomAD). The available evidence is insufficient to determine the role of this variant in disease conclusively. Therefore, this variant is classified as a Variant of Uncertain Significance.

Genome-Nilou Lab
Classification: Likely benign for Tuberous sclerosis 2. Last evaluated: 2021-11-07. Review status: criteria provided, single submitter. Criteria: ACMG Guidelines, 2015. Collection method: clinical testing. Allele origin: germline. Affected: no.

Blueprint Genetics
Classification: Likely benign. Last evaluated: 2021-09-20. Review status: criteria provided, single submitter. Criteria: ACMG Guidelines, 2015. Collection method: clinical testing. Allele origin: germline.

Ambry Genetics
Classification: Likely benign for Hereditary cancer-predisposing syndrome. Last evaluated: 2021-03-17. Review status: criteria provided, single submitter. Criteria: Ambry Variant Classification Scheme 2023. Collection method: clinical testing. Allele origin: germline.

NM_000548.5(TSC2):c.4864G>A (p.Ala1622Thr)

Gene: TSC2 (TSC complex subunit 2; plus strand). Cytogenetic location: 16p13.3.
Variant type: single nucleotide variant.
Coding change: c.4864G>A on transcript NM_000548.5 (MANE Select); coding-DNA position 4864, G replaced by A.
Protein change: p.Ala1622Thr; replaces alanine 1622 with threonine.
Molecular consequence: missense variant.
Genome position (GRCh38, 1-based): chr16:2,086,746, G>A. VCF-style: chr16-2086746-G-A. GRCh37 (hg19) VCF-style: chr16-2136747-G-A.
Other names: c.4663G>A, p.Ala1555Thr (NM_001077183.3); c.4795G>A, p.Ala1599Thr (NM_001114382.3); c.4555G>A, p.Ala1519Thr (NM_001318827.2); c.4519G>A, p.Ala1507Thr (NM_001318829.2); c.4132G>A, p.Ala1378Thr (NM_001318831.2); c.4696G>A, p.Ala1566Thr (NM_001318832.2); c.4666G>A, p.Ala1556Thr (NM_001363528.2); c.4732G>A, p.Ala1578Thr (NM_001370404.1); and 1 more; short protein forms A1622T, A1566T, A1579T, A1378T, A1507T, A1556T, A1599T, A1519T.
Identifiers: ClinVar variation 536102 (VCV000536102.21), dbSNP rs769913589, ClinGen allele CA052965.